The following is an entry in ClinVar:

ClinVar aggregate classification (germline): Likely benign. Review status: criteria provided, single submitter (1 of 4 stars). 2 submissions from 2 submitters: Likely benign (1). 1 of the submissions does not count toward it. Last evaluated 2023-05-08.

Conditions:
LEPR-related disorder. Also called: LEPR-related disorders; LEPR-related condition.
Inborn genetic diseases. Identifiers: MedGen C0950123, MeSH D030342.

Allele frequency attached by ClinVar (database versions not stated): TOPMed 0.00002; ExAC 0.00003; gnomAD 0.00003; ESP Exome Variant Server 0.00008.
gnomAD v4.1: 60 of 1,613,282 alleles (0.0037%); highest among the groups gnomAD compares: Non-Finnish European, 0.0051%; no homozygotes.

Submissions (2):

Ambry Genetics
Classification: Likely benign for Inborn genetic diseases. Last evaluated: 2023-05-08. Review status: criteria provided, single submitter. Criteria: Ambry Variant Classification Scheme 2023. Collection method: clinical testing. Allele origin: germline.

PreventionGenetics, part of Exact Sciences
Classification: Uncertain significance for LEPR-related condition. Last evaluated: 2024-03-18. Review status: no assertion criteria provided. Collection method: clinical testing. Allele origin: germline. Not counted in ClinVar's aggregate classification.
Comment: The LEPR c.2542G>A variant is predicted to result in the amino acid substitution p.Val848Ile. To our knowledge, this variant has not been reported in the literature. This variant is reported in 0.012% of alleles in individuals of European (non-Finnish) descent in gnomAD. At this time, the clinical significance of this variant is uncertain due to the absence of conclusive functional and genetic evidence.

NM_002303.6(LEPR):c.2542G>A (p.Val848Ile)

Gene: LEPR (leptin receptor; plus strand). Cytogenetic location: 1p31.3.
Variant type: single nucleotide variant.
Coding change: c.2542G>A on transcript NM_002303.6 (MANE Select); coding-DNA position 2542, G replaced by A.
Protein change: p.Val848Ile; replaces valine 848 with isoleucine.
Molecular consequence: missense variant.
Genome position (GRCh38, 1-based): chr1:65,621,403, G>A. VCF-style: chr1-65621403-G-A. GRCh37 (hg19) VCF-style: chr1-66087086-G-A.
Other names: c.2542G>A, p.Val848Ile (NM_001003679.3, NM_001003680.3, NM_001198687.2 and 2 more transcripts); short protein forms V848I.
Identifiers: ClinVar variation 2515042 (VCV002515042.3), dbSNP rs138474777, ClinGen allele CA895039.